The following is an entry in ClinVar:

NM_152866.3(MS4A1):c.111G>C (p.Leu37=)

Gene: MS4A1 (membrane spanning 4-domains A1; plus strand). Cytogenetic location: 11q12.2.
Variant type: single nucleotide variant.
Coding change: c.111G>C on transcript NM_152866.3 (MANE Select); coding-DNA position 111, G replaced by C.
Protein change: p.Leu37=; no amino-acid change (leucine 37 retained).
Molecular consequence: synonymous variant.
Genome position (GRCh38, 1-based): chr11:60,462,485, G>C. VCF-style: chr11-60462485-G-C. GRCh37 (hg19) VCF-style: chr11-60229958-G-C.
Other names: c.111G>C, p.Leu37= (NM_021950.4, NM_152867.2).
Identifiers: ClinVar variation 720956 (VCV000720956.11), dbSNP rs200805059, ClinGen allele CA6024867.

ClinVar aggregate classification (germline): Benign/Likely benign. Review status: criteria provided, multiple submitters, no conflicts (2 of 4 stars). 3 submissions from 3 submitters: Benign (1); Likely benign (2). Last evaluated 2026-01-26.

Conditions:
MS4A1-related disorder. Also called: MS4A1-related condition.

Allele frequency attached by ClinVar (database versions not stated): gnomAD exomes 0.00006 and 0.00033; gnomAD 0.00018 and 0.00021; TOPMed 0.00026; ExAC 0.00034; 1000 Genomes Project 30x 0.00094; 1000 Genomes Project 0.00100.
gnomAD v4.1: 176 of 1,614,190 alleles (0.011%); highest among the groups gnomAD compares: East Asian, 0.26%; 2 homozygotes.

Submissions (3):

Labcorp Genetics (formerly Invitae), Labcorp
Classification: Benign. Last evaluated: 2026-01-26. Review status: criteria provided, single submitter. Criteria: Invitae Variant Classification Sherloc (09022015). Collection method: clinical testing. Allele origin: germline.

PreventionGenetics, part of Exact Sciences
Classification: Likely benign for MS4A1-related condition. Last evaluated: 2024-12-17. Review status: criteria provided, single submitter. Criteria: ACMG Guidelines, 2015. Collection method: clinical testing. Allele origin: germline.
Comment: This variant is classified as likely benign based on ACMG/AMP sequence variant interpretation guidelines (Richards et al. 2015 PMID: 25741868, with internal and published modifications).

Blueprint Genetics
Classification: Likely benign. Last evaluated: 2024-11-27. Review status: criteria provided, single submitter. Criteria: ACMG Guidelines, 2015. Collection method: clinical testing. Allele origin: germline.